The following is an entry in ClinVar:

NM_000843.4(GRM6):c.1580G>A (p.Arg527Gln)

Genes: GRM6 (glutamate metabotropic receptor 6; minus strand), ZNF454 (zinc finger protein 454; plus strand). Cytogenetic location: 5q35.3.
Variant type: single nucleotide variant.
Coding change: c.1580G>A on transcript NM_000843.4 (MANE Select); coding-DNA position 1580, G replaced by A.
Protein change: p.Arg527Gln; replaces arginine 527 with glutamine.
Molecular consequence: missense variant.
Genome position (GRCh38, 1-based): chr5:178,986,674, C>T on the plus strand (G>A on the coding strand, the complement: GRM6 is on the minus strand). VCF-style: chr5-178986674-C-T. GRCh37 (hg19) VCF-style: chr5-178413675-C-T.
Other names: short protein forms R527Q.
Identifiers: ClinVar variation 1061076 (VCV001061076.7), dbSNP rs149564055, ClinGen allele CA3593990.

ClinVar aggregate classification (germline): Uncertain significance. Review status: criteria provided, multiple submitters, no conflicts (2 of 4 stars). 2 submissions from 2 submitters: Uncertain significance (2). Last evaluated 2026-01-01.

Allele frequency attached by ClinVar (database versions not stated): gnomAD 0.00006 and 0.00011; ExAC 0.00010; gnomAD exomes 0.00010 and 0.00012; TOPMed 0.00014; 1000 Genomes Project 30x 0.00078; 1000 Genomes Project 0.00080.
gnomAD v4.1: 165 of 1,603,216 alleles (0.01%); highest among the groups gnomAD compares: Admixed American, 0.03%; 2 homozygotes.

Submissions (2):

Labcorp Genetics (formerly Invitae), Labcorp
Classification: Uncertain significance. Last evaluated: 2026-01-01. Review status: criteria provided, single submitter. Criteria: Invitae Variant Classification Sherloc (09022015). Collection method: clinical testing. Allele origin: germline.
Comment: This sequence change replaces arginine, which is basic and polar, with glutamine, which is neutral and polar, at codon 527 of the GRM6 protein (p.Arg527Gln). This variant is present in population databases (rs149564055, gnomAD 0.03%). This variant has not been reported in the literature in individuals affected with GRM6-related conditions. ClinVar contains an entry for this variant (Variation ID: 1061076). Invitae Evidence Modeling of protein sequence and biophysical properties (such as structural, functional, and spatial information, amino acid conservation, physicochemical variation, residue mobility, and thermodynamic stability) has been performed for this missense variant. However, the output from this modeling did not meet the statistical confidence thresholds required to predict the impact of this variant on GRM6 protein function. In summary, the available evidence is currently insufficient to determine the role of this variant in disease. Therefore, it has been classified as a Variant of Uncertain Significance.

Blueprint Genetics
Classification: Uncertain significance. Last evaluated: 2024-09-23. Review status: criteria provided, single submitter. Criteria: ACMG Guidelines, 2015. Collection method: clinical testing. Allele origin: germline.